The following is an entry in ClinVar:

NM_005475.3(SH2B3):c.427C>T (p.Arg143Cys)

Gene: SH2B3 (SH2B adaptor protein 3; plus strand). Cytogenetic location: 12q24.12.
Variant type: single nucleotide variant.
Coding change: c.427C>T on transcript NM_005475.3 (MANE Select); coding-DNA position 427, C replaced by T.
Protein change: p.Arg143Cys; replaces arginine 143 with cysteine.
Molecular consequence: missense variant.
Genome position (GRCh38, 1-based): chr12:111,418,572, C>T. VCF-style: chr12-111418572-C-T. GRCh37 (hg19) VCF-style: chr12-111856376-C-T.
Other names: short protein forms R143C.
Identifiers: ClinVar variation 3795238 (VCV003795238.1).

ClinVar aggregate classification (germline): Uncertain significance (1 of 4 stars; one submission).

Conditions:
Inborn genetic diseases. Identifiers: MedGen C0950123, MeSH D030342.

gnomAD v4.1: 8 of 1,482,086 alleles (0.00054%); highest among the groups gnomAD compares: Admixed American, 0.0022%; no homozygotes.

Submission:

Ambry Genetics
Classification: Uncertain significance for Inborn genetic diseases. Last evaluated: 2025-03-07. Review status: criteria provided, single submitter. Criteria: Ambry Variant Classification Scheme 2023. Collection method: clinical testing. Allele origin: germline.
Comment: The p.R143C variant (also known as c.427C>T), located in coding exon 1 of the SH2B3 gene, results from a C to T substitution at nucleotide position 427. The arginine at codon 143 is replaced by cysteine, an amino acid with highly dissimilar properties. This amino acid position is conserved. In addition, this alteration is predicted to be tolerated by in silico analysis. Based on the available evidence, the clinical significance of this variant remains unclear.